The following is an entry in ClinVar:

ClinVar aggregate classification (germline): Uncertain significance (1 of 4 stars; one submission).

Allele frequency attached by ClinVar (database versions not stated): gnomAD exomes below 0.00001; ExAC 0.00003; TOPMed below 0.00001; gnomAD 0.00003.
gnomAD v4.1: 9 of 1,612,568 alleles (0.00056%); highest among the groups gnomAD compares: African/African-American, 0.0093%; no homozygotes.

Submission:

Labcorp Genetics (formerly Invitae), Labcorp
Classification: Uncertain significance. Last evaluated: 2021-09-24. Review status: criteria provided, single submitter. Criteria: Invitae Variant Classification Sherloc (09022015). Collection method: clinical testing. Allele origin: germline.
Comment: This sequence change replaces glycine with valine at codon 33 of the TCIRG1 protein (p.Gly33Val). The glycine residue is moderately conserved and there is a moderate physicochemical difference between glycine and valine. This variant is present in population databases (rs762979070, ExAC 0.03%), including at least one homozygous and/or hemizygous individual. This variant has not been reported in the literature in individuals with TCIRG1-related conditions. Algorithms developed to predict the effect of missense changes on protein structure and function are either unavailable or do not agree on the potential impact of this missense change (SIFT: "Deleterious"; PolyPhen-2: "Probably Damaging"; Align-GVGD: "Class C0"). In summary, the available evidence is currently insufficient to determine the role of this variant in disease. Therefore, it has been classified as a Variant of Uncertain Significance.

NM_006019.4(TCIRG1):c.98G>T (p.Gly33Val)

Gene: TCIRG1 (T cell immune regulator 1, ATPase H+ transporting V0 subunit a3; plus strand). Cytogenetic location: 11q13.2.
Variant type: single nucleotide variant.
Coding change: c.98G>T on transcript NM_006019.4 (MANE Select); coding-DNA position 98, G replaced by T.
Protein change: p.Gly33Val; replaces glycine 33 with valine.
Molecular consequence: missense variant. On other transcripts: 5 prime UTR variant (1).
Genome position (GRCh38, 1-based): chr11:68,041,369, G>T. VCF-style: chr11-68041369-G-T. GRCh37 (hg19) VCF-style: chr11-67808836-G-T.
Other names: c.-1152G>T (NM_001351059.2); short protein forms G33V.
Identifiers: ClinVar variation 1435254 (VCV001435254.5), dbSNP rs762979070, ClinGen allele CA6146637.